The following is an entry in ClinVar:

NM_001126108.2(SLC12A3):c.1367del (p.Leu456fs)

Gene: SLC12A3 (solute carrier family 12 member 3; plus strand). Cytogenetic location: 16q13.
Variant type: Deletion.
Coding change: c.1367del on transcript NM_001126108.2 (MANE Select); coding-DNA position 1367, one base deleted (T; older notation c.1367delT).
Protein change: p.Leu456fs; shifts the reading frame from leucine 456.
Molecular consequence: frameshift variant.
Genome position (GRCh38, 1-based): chr16:56,879,573, T deleted. VCF-style (leftmost placement, unchanged base first): chr16-56879572-CT-C. GRCh37 (hg19) VCF-style: chr16-56913484-CT-C.
Other names: c.1367del, p.Leu456fs (NM_000339.3); c.1364del, p.Leu455fs (NM_001126107.2); short protein forms L455fs, L456fs.
Identifiers: ClinVar variation 974506 (VCV000974506.3), dbSNP rs2055210001, ClinGen allele CA977644008.

ClinVar aggregate classification (germline): Pathogenic. Review status: criteria provided, multiple submitters, no conflicts (2 of 4 stars). 2 submissions from 2 submitters: Pathogenic (2). Last evaluated 2020-02-01.

Conditions:
Familial hypokalemia-hypomagnesemia (GTLMNS). Also called: POTASSIUM AND MAGNESIUM DEPLETION; HYPOMAGNESEMIA-HYPOKALEMIA, PRIMARY RENOTUBULAR, WITH HYPOCALCIURIA; gitelman syndrome. Identifiers: Orphanet 358, MedGen C0268450, MONDO:0009904, OMIM 263800.

Allele frequency attached by ClinVar (database versions not stated): gnomAD 0.00001.

Submissions (2):

Molecular Biology Laboratory, Fundació Puigvert
Classification: Pathogenic for Familial hypokalemia-hypomagnesemia. Last evaluated: 2020-02-01. Review status: criteria provided, single submitter. Criteria: ACMG Guidelines, 2015. Collection method: research. Allele origin: germline. Affected: yes. Study: KidneyPanel_2020.

Juno Genomics, Hangzhou Juno Genomics, Inc
Classification: Pathogenic for Familial hypokalemia-hypomagnesemia. Review status: criteria provided, single submitter. Criteria: ACMG Guidelines, 2015. Collection method: clinical testing. Allele origin: germline. Affected: yes.
Comment: Absent from controls (or at extremely low frequency if recessive) in Genome Aggregation Database, Exome Sequencing Project, 1000 Genomes Project, or Exome Aggregation Consortium.;For recessive disorders, detected in trans with a pathogenic variant.;Null variant in a gene where loss of function (LOF) is a known mechanism of disease.

Literature cited by the submitters: PubMed 33532864 (cited by Molecular Biology Laboratory, Fundació Puigvert).